The following is an entry in ClinVar:

ClinVar aggregate classification (germline): Pathogenic (1 of 4 stars; one submission).

Submission:

Labcorp Genetics (formerly Invitae), Labcorp
Classification: Pathogenic. Last evaluated: 2023-11-05. Review status: criteria provided, single submitter. Criteria: Invitae Variant Classification Sherloc (09022015). Collection method: clinical testing. Allele origin: germline.
Comment: This sequence change creates a premature translational stop signal (p.Arg214Glufs*11) in the COL7A1 gene. It is expected to result in an absent or disrupted protein product. Loss-of-function variants in COL7A1 are known to be pathogenic (PMID: 16971478). This variant is not present in population databases (gnomAD no frequency). This premature translational stop signal has been observed in individual(s) with autosomal recessive epidermolysis bullosa (Invitae). ClinVar contains an entry for this variant (Variation ID: 841727). For these reasons, this variant has been classified as Pathogenic.

Literature cited by the submitters: PubMed 16971478.

NM_000094.4(COL7A1):c.639del (p.Arg214fs)

Gene: COL7A1 (collagen type VII alpha 1 chain; minus strand). Cytogenetic location: 3p21.31.
Variant type: Deletion.
Coding change: c.639del on transcript NM_000094.4 (MANE Select); coding-DNA position 639, one base deleted (G; older notation c.639delG).
Protein change: p.Arg214fs; shifts the reading frame from arginine 214.
Molecular consequence: frameshift variant.
Genome position (GRCh38, 1-based): chr3:48,593,145, C deleted on the plus strand (G on the coding strand, the reverse complement: COL7A1 is on the minus strand); the first of 2 consecutive C bases (chr3:48,593,145-48,593,146); deleting either gives the same sequence. VCF-style (leftmost placement, unchanged base first): chr3-48593144-TC-T. GRCh37 (hg19) VCF-style: chr3-48630577-TC-T.
Other names: short protein forms R214fs.
Identifiers: ClinVar variation 841727 (VCV000841727.6), dbSNP rs2045831941, ClinGen allele CA916080331.